The following is an entry in ClinVar:

NM_025137.4(SPG11):c.1906C>T (p.Leu636=)

Gene: SPG11 (SPG11 vesicle trafficking associated, spatacsin; minus strand). Cytogenetic location: 15q21.1.
Variant type: single nucleotide variant.
Coding change: c.1906C>T on transcript NM_025137.4 (MANE Select); coding-DNA position 1906, C replaced by T.
Protein change: p.Leu636=; no amino-acid change (leucine 636 retained).
Molecular consequence: synonymous variant.
Genome position (GRCh38, 1-based): chr15:44,628,830, G>A on the plus strand (C>T on the coding strand, the complement: SPG11 is on the minus strand). VCF-style: chr15-44628830-G-A. GRCh37 (hg19) VCF-style: chr15-44921028-G-A.
Other names: p.Leu636=; c.1906C>T, p.Leu636= (NM_001160227.2).
Identifiers: ClinVar variation 466510 (VCV000466510.16), dbSNP rs145316065, ClinGen allele CA7535393.

ClinVar aggregate classification (germline): Likely benign. Review status: criteria provided, multiple submitters, no conflicts (2 of 4 stars). 4 submissions from 4 submitters: Likely benign (4). Last evaluated 2026-01-13.

Conditions:
SPG11-related disorder. Also called: SPG11-related condition.
Inborn genetic diseases. Identifiers: MedGen C0950123, MeSH D030342.
Hereditary spastic paraplegia 11. Also called: Spastic paraplegia, mental retardation and thin corpus callosum; SPASTIC PARAPLEGIA, AUTOSOMAL RECESSIVE, COMPLICATED, WITH THIN CORPUS CALLOSUM; SPASTIC PARAPLEGIA, AUTOSOMAL RECESSIVE, WITH MENTAL IMPAIRMENT AND THIN CORPUS CALLOSUM; Spastic Paraplegia 11; Nakamura Osame syndrome; Autosomal recessive hereditary spastic paraplegia, mental impairment, and thin corpus callosum. Identifiers: Orphanet 2822, MedGen C1858479, MONDO:0011445, OMIM 604360.

Allele frequency attached by ClinVar (database versions not stated): gnomAD exomes 0.00013; ExAC 0.00014; 1000 Genomes Project 30x 0.00031; 1000 Genomes Project 0.00040; ESP Exome Variant Server 0.00046; gnomAD 0.00054 and 0.00057; TOPMed 0.00061.
gnomAD v4.1: 141 of 1,613,192 alleles (0.0087%); highest among the groups gnomAD compares: African/African-American, 0.17%; 3 homozygotes.

Submissions (4):

Labcorp Genetics (formerly Invitae), Labcorp
Classification: Likely benign for Hereditary spastic paraplegia 11. Last evaluated: 2026-01-13. Review status: criteria provided, single submitter. Criteria: Invitae Variant Classification Sherloc (09022015). Collection method: clinical testing. Allele origin: germline.

Mayo Clinic Laboratories, Mayo Clinic
Classification: Likely benign. Last evaluated: 2025-03-18. Review status: criteria provided, single submitter. Criteria: ACMG Guidelines, 2015. Collection method: clinical testing. Allele origin: germline. Observed: 2 variant alleles.
Comment: BS1, BP4, BP7

PreventionGenetics, part of Exact Sciences
Classification: Likely benign for SPG11-related condition. Last evaluated: 2025-03-01. Review status: criteria provided, single submitter. Criteria: ACMG Guidelines, 2015. Collection method: clinical testing. Allele origin: germline.
Comment: This variant is classified as likely benign based on ACMG/AMP sequence variant interpretation guidelines (Richards et al. 2015 PMID: 25741868, with internal and published modifications).

Ambry Genetics
Classification: Likely benign for Inborn genetic diseases. Last evaluated: 2019-07-11. Review status: criteria provided, single submitter. Criteria: Ambry Variant Classification Scheme 2023. Collection method: clinical testing. Allele origin: germline.